The following is an entry in ClinVar:

NM_002528.7(NTHL1):c.532G>C (p.Val178Leu)

Gene: NTHL1 (nth like DNA glycosylase 1; minus strand). Cytogenetic location: 16p13.3.
Variant type: single nucleotide variant.
Coding change: c.532G>C on transcript NM_002528.7 (MANE Select); coding-DNA position 532, G replaced by C.
Protein change: p.Val178Leu; replaces valine 178 with leucine.
Molecular consequence: missense variant.
Genome position (GRCh38, 1-based): chr16:2,043,720, C>G on the plus strand (G>C on the coding strand, the complement: NTHL1 is on the minus strand). VCF-style: chr16-2043720-C-G. GRCh37 (hg19) VCF-style: chr16-2093721-C-G.
Other names: c.361G>C, p.Val121Leu (NM_001318193.2); c.202G>C, p.Val68Leu (NM_001318194.2); short protein forms V178L, V68L, V121L.
Identifiers: ClinVar variation 1487160 (VCV001487160.9), dbSNP rs2084301329, ClinGen allele CA394292563.
Genomic context (GRCh38, chr16:2,043,720, plus strand): 5'-CTGGGATGTCCCCACCGTAGTGCTGCTGCAGGATGGCGCTGGTCTGCTTGATGTATTTCA[C>G]CTTGCTCTGAAAGACAGGGGTGGGTTCAGCCTTGGAGGCAAGGGCACAGCCCAACCTGGG-3'
Protein context (NP_002519.2, residues 168-188): IYPVGFWRSK[Val178Leu]KYIKQTSAIL

ClinVar aggregate classification (germline): Uncertain significance. Review status: criteria provided, multiple submitters, no conflicts (2 of 4 stars). 2 submissions from 2 submitters: Uncertain significance (2). Last evaluated 2025-12-08.

Conditions:
Hereditary cancer-predisposing syndrome. Also called: Hereditary neoplastic syndrome; Neoplastic Syndromes, Hereditary; Hereditary Cancer Syndrome; Tumor predisposition. Identifiers: Orphanet 140162, MedGen C0027672, MeSH D009386, MONDO:0015356.

Submissions (2):

Ambry Genetics
Classification: Uncertain significance for Hereditary cancer-predisposing syndrome. Last evaluated: 2025-12-08. Review status: criteria provided, single submitter. Criteria: Ambry Variant Classification Scheme 2023. Collection method: clinical testing. Allele origin: germline.
Comment: The p.V186L variant (also known as c.556G>C), located in coding exon 4 of the NTHL1 gene, results from a G to C substitution at nucleotide position 556. The valine at codon 186 is replaced by leucine, an amino acid with highly similar properties. This amino acid position is well conserved in available vertebrate species. In addition, this alteration is predicted to be deleterious by in silico analysis. Since supporting evidence is limited at this time, the clinical significance of this alteration remains unclear.

Labcorp Genetics (formerly Invitae), Labcorp
Classification: Uncertain significance. Last evaluated: 2021-11-06. Review status: criteria provided, single submitter. Criteria: Invitae Variant Classification Sherloc (09022015). Collection method: clinical testing. Allele origin: germline.
Comment: This variant has not been reported in the literature in individuals affected with NTHL1-related conditions. In summary, the available evidence is currently insufficient to determine the role of this variant in disease. Therefore, it has been classified as a Variant of Uncertain Significance. Algorithms developed to predict the effect of missense changes on protein structure and function are either unavailable or do not agree on the potential impact of this missense change (SIFT: "Not Available"; PolyPhen-2: "Benign"; Align-GVGD: "Not Available"). This variant is not present in population databases (gnomAD no frequency). This sequence change replaces valine, which is neutral and non-polar, with leucine, which is neutral and non-polar, at codon 186 of the NTHL1 protein (p.Val186Leu).